The following is an entry in ClinVar:

NM_004637.6(RAB7A):c.464G>A (p.Ser155Asn)

Gene: RAB7A (RAB7A, member RAS oncogene family; plus strand). Cytogenetic location: 3q21.3.
Variant type: single nucleotide variant.
Coding change: c.464G>A on transcript NM_004637.6 (MANE Select); coding-DNA position 464, G replaced by A.
Protein change: p.Ser155Asn; replaces serine 155 with asparagine.
Molecular consequence: missense variant.
Genome position (GRCh38, 1-based): chr3:128,807,607, G>A. VCF-style: chr3-128807607-G-A. GRCh37 (hg19) VCF-style: chr3-128526450-G-A.
Other names: short protein forms S155N.
Identifiers: ClinVar variation 2695449 (VCV002695449.4), dbSNP rs2529141270, ClinGen allele CA354709443.

ClinVar aggregate classification (germline): Uncertain significance. Review status: criteria provided, multiple submitters, no conflicts (2 of 4 stars). 2 submissions from 2 submitters: Uncertain significance (2). Last evaluated 2023-11-13.

Conditions:
Charcot-Marie-Tooth disease type 2B (CMT2B). Also called: CHARCOT-MARIE-TOOTH DISEASE, AXONAL, TYPE 2B; CHARCOT-MARIE-TOOTH DISEASE, AUTOSOMAL DOMINANT, TYPE 2B; HEREDITARY MOTOR AND SENSORY NEUROPATHY IIB; Charcot-Marie-Tooth Neuropathy Type 2B. Identifiers: Orphanet 99936, MedGen C1833219, MONDO:0010949, OMIM 600882.

Submissions (2):

Labcorp Genetics (formerly Invitae), Labcorp
Classification: Uncertain significance for Charcot-Marie-Tooth disease type 2B. Last evaluated: 2023-11-13. Review status: criteria provided, single submitter. Criteria: Invitae Variant Classification Sherloc (09022015). Collection method: clinical testing. Allele origin: germline.
Comment: This sequence change replaces serine, which is neutral and polar, with asparagine, which is neutral and polar, at codon 155 of the RAB7A protein (p.Ser155Asn). This variant is not present in population databases (gnomAD no frequency). This variant has not been reported in the literature in individuals affected with RAB7A-related conditions. An algorithm developed to predict the effect of missense changes on protein structure and function (PolyPhen-2) suggests that this variant is likely to be disruptive. In summary, the available evidence is currently insufficient to determine the role of this variant in disease. Therefore, it has been classified as a Variant of Uncertain Significance.

Blueprint Genetics
Classification: Uncertain significance. Last evaluated: 2023-08-01. Review status: criteria provided, single submitter. Criteria: ACMG Guidelines, 2015. Collection method: clinical testing. Allele origin: germline.